The following is an entry in ClinVar:

ClinVar aggregate classification (germline): Conflicting classifications of pathogenicity. Review status: criteria provided, conflicting classifications (1 of 4 stars). 5 submissions from 5 submitters: Uncertain significance (1); Benign (1); Likely benign (2). 1 of the submissions does not count toward it. Last evaluated 2026-01-14.

Conditions:
Bardet-Biedl syndrome 15 (BBS15). Identifiers: Orphanet 110, MedGen C3150127, MONDO:0014443, OMIM 615992.
WDPCP-related disorder. Also called: WDPCP-related condition.
Bardet-Biedl syndrome (BBS). Identifiers: Orphanet 110, MedGen C0752166, MONDO:0015229.

Allele frequency attached by ClinVar (database versions not stated): ESP Exome Variant Server 0.00033; gnomAD 0.00051 and 0.00052; TOPMed 0.00052; ExAC 0.00066; gnomAD exomes 0.00078.
gnomAD v4.1: 896 of 1,613,990 alleles (0.056%); highest among the groups gnomAD compares: Non-Finnish European, 0.034%; 4 homozygotes.

Submissions (5):

Labcorp Genetics (formerly Invitae), Labcorp
Classification: Benign for Bardet-Biedl syndrome. Last evaluated: 2026-01-14. Review status: criteria provided, single submitter. Criteria: Invitae Variant Classification Sherloc (09022015). Collection method: clinical testing. Allele origin: germline.

CeGaT Center for Human Genetics Tuebingen
Classification: Likely benign. Last evaluated: 2025-01-01. Review status: criteria provided, single submitter. Criteria: CeGaT Center For Human Genetics Tuebingen Variant Classification Criteria Version 2. Collection method: clinical testing. Allele origin: germline. Affected: yes. Observed: 1 variant allele.
Comment: WDPCP: BP4

Blueprint Genetics
Classification: Likely benign. Last evaluated: 2024-11-22. Review status: criteria provided, single submitter. Criteria: ACMG Guidelines, 2015. Collection method: clinical testing. Allele origin: germline.

Illumina Laboratory Services, Illumina
Classification: Uncertain significance for Bardet-Biedl syndrome 15. Last evaluated: 2018-01-12. Review status: criteria provided, single submitter. Criteria: ICSL Variant Classification Criteria 13 December 2019. Collection method: clinical testing. Allele origin: germline.

PreventionGenetics, part of Exact Sciences
Classification: Benign for WDPCP-related condition. Last evaluated: 2019-10-29. Review status: no assertion criteria provided. Collection method: clinical testing. Allele origin: germline. Not counted in ClinVar's aggregate classification.
Comment: This variant is classified as benign based on ACMG/AMP sequence variant interpretation guidelines (Richards et al. 2015 PMID: 25741868, with internal and published modifications).

NM_015910.7(WDPCP):c.1315G>A (p.Val439Ile)

Gene: WDPCP (WD repeat containing planar cell polarity effector; minus strand). Cytogenetic location: 2p15.
Variant type: single nucleotide variant.
Coding change: c.1315G>A on transcript NM_015910.7 (MANE Select); coding-DNA position 1315, G replaced by A.
Protein change: p.Val439Ile; replaces valine 439 with isoleucine.
Molecular consequence: missense variant. On other transcripts: non-coding transcript variant (3).
Genome position (GRCh38, 1-based): chr2:63,404,168, C>T on the plus strand (G>A on the coding strand, the complement: WDPCP is on the minus strand). VCF-style: chr2-63404168-C-T. GRCh37 (hg19) VCF-style: chr2-63631303-C-T.
Other names: c.838G>A, p.Val280Ile (NM_001042692.3); c.1243G>A, p.Val415Ile (NM_001354044.2); c.1315G>A, p.Val439Ile (NM_001354045.2); short protein forms V439I, V280I, V415I.
Identifiers: ClinVar variation 188367 (VCV000188367.30), dbSNP rs199676595, ClinGen allele CA334733.